The following is an entry in ClinVar:

ClinVar aggregate classification (germline): Likely benign (1 of 4 stars; one submission).

Allele frequency attached by ClinVar (database versions not stated): gnomAD 0.00002; TOPMed 0.00002; ExAC 0.00005; gnomAD exomes 0.00005; 1000 Genomes Project 30x 0.00016; 1000 Genomes Project 0.00020.
gnomAD v4.1: 77 of 1,614,162 alleles (0.0048%); highest among the groups gnomAD compares: South Asian, 0.06%; 1 homozygote.

Submission:

CeGaT Center for Human Genetics Tuebingen
Classification: Likely benign. Last evaluated: 2024-03-01. Review status: criteria provided, single submitter. Criteria: CeGaT Center For Human Genetics Tuebingen Variant Classification Criteria Version 2. Collection method: clinical testing. Allele origin: germline. Affected: yes. Observed: 1 variant allele.
Comment: PSMC3: BP4, BP7

NM_002804.5(PSMC3):c.1065G>A (p.Pro355=)

Gene: PSMC3 (proteasome 26S subunit, ATPase 3; minus strand). Cytogenetic location: 11p11.2.
Variant type: single nucleotide variant.
Coding change: c.1065G>A on transcript NM_002804.5 (MANE Select); coding-DNA position 1065, G replaced by A.
Protein change: p.Pro355=; no amino-acid change (proline 355 retained).
Molecular consequence: synonymous variant.
Genome position (GRCh38, 1-based): chr11:47,420,326, C>T on the plus strand (G>A on the coding strand, the complement: PSMC3 is on the minus strand). VCF-style: chr11-47420326-C-T. GRCh37 (hg19) VCF-style: chr11-47441877-C-T.
Identifiers: ClinVar variation 3067252 (VCV003067252.21), dbSNP rs527276346, ClinGen allele CA5976188.
Genomic context (GRCh38, chr11:47,420,326, plus strand): 5'-GACATTCATCTTTCGGGAGTGGATCTGCATGATTCTGGCCCGGGCCTCCTCATTGGGCAT[C>T]GGGAACTCTATCTTGCGGTCAAGGCGGCCCGAGCGGAGGAGGGCGGGGTCCAGGATGTCC-3'
Protein context (NP_002795.2, residues 345-365): SGRLDRKIEF[Pro355=]MPNEEARARI